The following is an entry in ClinVar:

ClinVar aggregate classification (germline): Likely benign (1 of 4 stars; one submission).

Allele frequency attached by ClinVar (database versions not stated): ExAC 0.00001; gnomAD 0.00001.
gnomAD v4.1: 10 of 1,613,964 alleles (0.00062%); highest among the groups gnomAD compares: East Asian, 0.0022%; no homozygotes.

Submission:

CeGaT Center for Human Genetics Tuebingen
Classification: Likely benign. Last evaluated: 2023-10-01. Review status: criteria provided, single submitter. Criteria: CeGaT Center For Human Genetics Tuebingen Variant Classification Criteria Version 2. Collection method: clinical testing. Allele origin: germline. Affected: yes. Observed: 1 variant allele.
Comment: DLAT: BP4, BP7

NM_001931.5(DLAT):c.477C>T (p.Ile159=)

Gene: DLAT (dihydrolipoamide S-acetyltransferase; plus strand). Cytogenetic location: 11q23.1.
Variant type: single nucleotide variant.
Coding change: c.477C>T on transcript NM_001931.5 (MANE Select); coding-DNA position 477, C replaced by T.
Protein change: p.Ile159=; no amino-acid change (isoleucine 159 retained).
Molecular consequence: synonymous variant. On other transcripts: missense variant (1), non-coding transcript variant (1), intron variant (2).
Genome position (GRCh38, 1-based): chr11:112,028,610, C>T. VCF-style: chr11-112028610-C-T. GRCh37 (hg19) VCF-style: chr11-111899334-C-T.
Other names: c.477C>T, p.Ile159= (NM_001372031.1, NM_001372032.1, NM_001372033.1 and 3 more transcripts); c.444C>T, p.Ile148= (NM_001372034.1); c.351C>T, p.Ile117= (NM_001372036.1); c.309C>T, p.Ile103= (NM_001372037.1); c.11C>T, p.Ser4Leu (NM_001372042.1); c.381+2311C>T (NM_001372038.1); c.364+2328C>T (NM_001372040.1); short protein forms S4L.
Identifiers: ClinVar variation 2642370 (VCV002642370.24), dbSNP rs781817825, ClinGen allele CA6276670.